The following is an entry in ClinVar:

ClinVar aggregate classification (germline): Uncertain significance (1 of 4 stars; one submission).

Conditions:
Inborn genetic diseases. Identifiers: MedGen C0950123, MeSH D030342.

Submission:

Ambry Genetics
Classification: Uncertain significance for Inborn genetic diseases. Last evaluated: 2026-09-06. Review status: criteria provided, single submitter. Criteria: Ambry Variant Classification Scheme 2023. Collection method: clinical testing. Allele origin: germline.
Comment: The p.K1492T variant (also known as c.4475A>C), located in coding exon 1 of the SAMD9L gene, results from an A to C substitution at nucleotide position 4475. The lysine at codon 1492 is replaced by threonine, an amino acid with similar properties. This amino acid position is conserved. In addition, this alteration is predicted to be tolerated by in silico analysis. Based on the available evidence, the clinical significance of this variant remains unclear.

NM_152703.5(SAMD9L):c.4475A>C (p.Lys1492Thr)

Gene: SAMD9L (sterile alpha motif domain containing 9 like; minus strand). Cytogenetic location: 7q21.2.
Variant type: single nucleotide variant.
Coding change: c.4475A>C on transcript NM_152703.5 (MANE Select); coding-DNA position 4475, A replaced by C.
Protein change: p.Lys1492Thr; replaces lysine 1492 with threonine.
Molecular consequence: missense variant.
Genome position (GRCh38, 1-based): chr7:93,131,497, T>G on the plus strand (A>C on the coding strand, the complement: SAMD9L is on the minus strand). VCF-style: chr7-93131497-T-G. GRCh37 (hg19) VCF-style: chr7-92760810-T-G.
Other names: c.4475A>C, p.Lys1492Thr (NM_001303496.3, NM_001303497.3, NM_001303498.3 and 5 more transcripts); short protein forms K1492T.
Identifiers: ClinVar variation 5028984 (VCV005028984.1).